The following is an entry in ClinVar:

ClinVar aggregate classification (germline): Conflicting classifications of pathogenicity. Review status: criteria provided, conflicting classifications (1 of 4 stars). 3 submissions from 3 submitters: Pathogenic (1); Likely pathogenic (1); Uncertain significance (1). Last evaluated 2025-03-10.

Conditions:
RYR1-related disorder. Also called: RYR1-related disorders; RYR1-related condition. Identifiers: MedGen CN239331.
Congenital multicore myopathy with external ophthalmoplegia (CMYO1B). Also called: MULTICORE MYOPATHY; MULTIMINICORE DISEASE WITH EXTERNAL OPHTHALMOPLEGIA; Minicore myopathy with external ophthalmoplegia; Congenital myopathy 1B, autosomal recessive; Minicore myopathy. Identifiers: Orphanet 598, Orphanet 98905, MedGen C1850674, MONDO:0009712, OMIM 255320, HP:0003789.

Allele frequency attached by ClinVar (database versions not stated): TOPMed below 0.00001; gnomAD 0.00001.
gnomAD v4.1: 2 of 1,613,906 alleles (0.00012%); highest among the groups gnomAD compares: Non-Finnish European, 0.00017%; no homozygotes.

Submissions (3):

3billion
Classification: Likely pathogenic for Congenital multicore myopathy with external ophthalmoplegia. Last evaluated: 2025-03-10. Review status: criteria provided, single submitter. Criteria: ACMG Guidelines, 2015. Collection method: clinical testing. Allele origin: germline. Affected: yes.
Comment: The variant is observed at an extremely low frequency in the gnomAD v4.1.0 dataset (total allele frequency: <0.001%). Predicted Consequence/Location: The variant is located in a mutational hot spot and/or well-established functional domain in which established pathogenic variants have been reported (PMID: 33767344). In silico tool predictions suggest damaging effect of the variant on gene or gene product [REVEL: 0.88 (>=0.6, sensitivity 0.68 and specificity 0.92); 3Cnet: 0.95 (> 0.75, sensitivity 0.96 and precision 0.92)]. The same nucleotide change resulting in the same amino acid change has been previously reported to be associated with RYR1-related disorder (ClinVar ID: VCV000582723). Therefore, this variant is classified as Likely pathogenic according to the recommendation of ACMG/AMP guideline.

Labcorp Genetics (formerly Invitae), Labcorp
Classification: Pathogenic for RYR1-related disorder. Last evaluated: 2022-09-22. Review status: criteria provided, single submitter. Criteria: Invitae Variant Classification Sherloc (09022015). Collection method: clinical testing. Allele origin: germline.
Comment: For these reasons, this variant has been classified as Pathogenic. Advanced modeling of protein sequence and biophysical properties (such as structural, functional, and spatial information, amino acid conservation, physicochemical variation, residue mobility, and thermodynamic stability) performed at Invitae indicates that this missense variant is expected to disrupt RYR1 protein function. ClinVar contains an entry for this variant (Variation ID: 582723). This missense change has been observed in individual(s) with clinical features of autosomal recessive congenital myopathy (Invitae). In at least one individual the data is consistent with being in trans (on the opposite chromosome) from a pathogenic variant. This variant is present in population databases (no rsID available, gnomAD 0.007%). This sequence change replaces cysteine, which is neutral and slightly polar, with phenylalanine, which is neutral and non-polar, at codon 489 of the RYR1 protein (p.Cys489Phe).

GeneDx
Classification: Uncertain significance. Last evaluated: 2022-06-23. Review status: criteria provided, single submitter. Criteria: GeneDx Variant Classification Process June 2021. Collection method: clinical testing. Allele origin: germline. Affected: yes.
Comment: Not observed at significant frequency in large population cohorts (gnomAD); In silico analysis supports that this missense variant has a deleterious effect on protein structure/function; Has not been previously published as pathogenic or benign to our knowledge; This variant is associated with the following publications: (PMID: 22473935, 20681998)

NM_000540.3(RYR1):c.1466G>T (p.Cys489Phe)

Genes: RYR1 (ryanodine receptor 1; plus strand), LOC129391106 (MPRA-validated peak3472 silencer; plus strand). Cytogenetic location: 19q13.2.
Variant type: single nucleotide variant.
Coding change: c.1466G>T on transcript NM_000540.3 (MANE Select); coding-DNA position 1466, G replaced by T.
Protein change: p.Cys489Phe; replaces cysteine 489 with phenylalanine.
Molecular consequence: missense variant.
Genome position (GRCh38, 1-based): chr19:38,455,260, G>T. VCF-style: chr19-38455260-G-T. GRCh37 (hg19) VCF-style: chr19-38945900-G-T.
Other names: c.1466G>T, p.Cys489Phe (NM_001042723.2); short protein forms C489F.
Identifiers: ClinVar variation 582723 (VCV000582723.13), dbSNP rs1472590403, ClinGen allele CA405688509.